The following is an entry in ClinVar:

NM_000981.4(RPL19):c.11T>C (p.Leu4Pro)

Gene: RPL19 (ribosomal protein L19; plus strand). Cytogenetic location: 17q12.
Variant type: single nucleotide variant.
Coding change: c.11T>C on transcript NM_000981.4 (MANE Select); coding-DNA position 11, T replaced by C.
Protein change: p.Leu4Pro; replaces leucine 4 with proline.
Molecular consequence: missense variant.
Genome position (GRCh38, 1-based): chr17:39,201,218, T>C. VCF-style: chr17-39201218-T-C. GRCh37 (hg19) VCF-style: chr17-37357471-T-C.
Other names: c.5T>C, p.Leu2Pro (NM_001330200.1); short protein forms L4P, L2P.
Identifiers: ClinVar variation 2968096 (VCV002968096.3), dbSNP rs1394096367, ClinGen allele CA398834323.

ClinVar aggregate classification (germline): Uncertain significance (1 of 4 stars; one submission).

Allele frequency attached by ClinVar (database versions not stated): gnomAD exomes below 0.00001.
gnomAD v4.1: 1 of 1,610,108 alleles (0.000062%); highest among the groups gnomAD compares: Non-Finnish European, 0.000085%; no homozygotes.

Submission:

Labcorp Genetics (formerly Invitae), Labcorp
Classification: Uncertain significance. Last evaluated: 2023-02-27. Review status: criteria provided, single submitter. Criteria: Invitae Variant Classification Sherloc (09022015). Collection method: clinical testing. Allele origin: germline.
Comment: An algorithm developed to predict the effect of missense changes on protein structure and function (PolyPhen-2) suggests that this variant is likely to be tolerated. This sequence change replaces leucine, which is neutral and non-polar, with proline, which is neutral and non-polar, at codon 4 of the RPL19 protein (p.Leu4Pro). This variant is not present in population databases (gnomAD no frequency). This variant has not been reported in the literature in individuals affected with RPL19-related conditions. In summary, the available evidence is currently insufficient to determine the role of this variant in disease. Therefore, it has been classified as a Variant of Uncertain Significance.